The following is an entry in ClinVar:

ClinVar aggregate classification (germline): Uncertain significance (1 of 4 stars; one submission).

Submission:

Labcorp Genetics (formerly Invitae), Labcorp
Classification: Uncertain significance. Last evaluated: 2025-08-31. Review status: criteria provided, single submitter. Criteria: Invitae Variant Classification Sherloc (09022015). Collection method: clinical testing. Allele origin: germline.
Comment: This sequence change replaces arginine, which is basic and polar, with glycine, which is neutral and non-polar, at codon 1069 of the TECTA protein (p.Arg1069Gly). This variant is not present in population databases (gnomAD no frequency). This variant has not been reported in the literature in individuals affected with TECTA-related conditions. Invitae Evidence Modeling of protein sequence and biophysical properties (such as structural, functional, and spatial information, amino acid conservation, physicochemical variation, residue mobility, and thermodynamic stability) indicates that this missense variant is not expected to disrupt TECTA protein function with a negative predictive value of 95%. In summary, the available evidence is currently insufficient to determine the role of this variant in disease. Therefore, it has been classified as a Variant of Uncertain Significance.

NM_005422.4(TECTA):c.3205A>G (p.Arg1069Gly)

Genes: TBCEL-TECTA (TBCEL-TECTA readthrough; plus strand), TECTA (tectorin alpha; plus strand). Cytogenetic location: 11q23.3.
Variant type: single nucleotide variant.
Coding change: c.3205A>G on transcript NM_005422.4 (MANE Select); coding-DNA position 3205, A replaced by G.
Protein change: p.Arg1069Gly; replaces arginine 1069 with glycine.
Molecular consequence: missense variant.
Genome position (GRCh38, 1-based): chr11:121,137,684, A>G. VCF-style: chr11-121137684-A-G. GRCh37 (hg19) VCF-style: chr11-121008393-A-G.
Other names: c.4162A>G, p.Arg1388Gly (NM_001378761.1); short protein forms R1388G, R1069G.
Identifiers: ClinVar variation 4765397 (VCV004765397.1).
Genomic context (GRCh38, chr11:121,137,684, plus strand): 5'-GAGACCTTCTGGGTGGACCTGGACTGCCAGATCTTCTGCTATTGCAGTGGCACAGACAAC[A>G]GGGTCCACTGCGAGACCATTCCCTGCAAGGATGATGAGTACTGCATGGAGGAAGGTGGCC-3'
Protein context (NP_005413.2, residues 1059-1079): IFCYCSGTDN[Arg1069Gly]VHCETIPCKD